The following is an entry in ClinVar:

NM_030662.4(MAP2K2):c.985C>T (p.Pro329Ser)

Gene: MAP2K2 (mitogen-activated protein kinase kinase 2; minus strand). Cytogenetic location: 19p13.3.
Variant type: single nucleotide variant.
Coding change: c.985C>T on transcript NM_030662.4 (MANE Select); coding-DNA position 985, C replaced by T.
Protein change: p.Pro329Ser; replaces proline 329 with serine.
Molecular consequence: missense variant.
Genome position (GRCh38, 1-based): chr19:4,095,449, G>A on the plus strand (C>T on the coding strand, the complement: MAP2K2 is on the minus strand). VCF-style: chr19-4095449-G-A. GRCh37 (hg19) VCF-style: chr19-4095447-G-A.
Other names: short protein forms P329S.
Identifiers: ClinVar variation 177843 (VCV000177843.7), dbSNP rs727504353, ClinGen allele CA180854.

ClinVar aggregate classification (germline): Uncertain significance. Review status: criteria provided, multiple submitters, no conflicts (2 of 4 stars). 3 submissions from 3 submitters: Uncertain significance (3). Last evaluated 2025-03-11.

Conditions:
Cardiovascular phenotype. Identifiers: MedGen CN230736.
RASopathy. Also called: rasopathies; Noonan spectrum disorder. Identifiers: Orphanet 536391, MedGen C5555857, MONDO:0021060.

Allele frequency attached by ClinVar (database versions not stated): TOPMed 0.00001; gnomAD exomes 0.00002; gnomAD 0.00002.
gnomAD v4.1: 30 of 1,551,244 alleles (0.0019%); highest among the groups gnomAD compares: Non-Finnish European, 0.0023%; no homozygotes.

Submissions (3):

Labcorp Genetics (formerly Invitae), Labcorp
Classification: Uncertain significance for RASopathy. Last evaluated: 2025-03-11. Review status: criteria provided, single submitter. Criteria: Invitae Variant Classification Sherloc (09022015). Collection method: clinical testing. Allele origin: germline.
Comment: This sequence change replaces proline, which is neutral and non-polar, with serine, which is neutral and polar, at codon 329 of the MAP2K2 protein (p.Pro329Ser). This variant is present in population databases (rs727504353, gnomAD 0.005%). This variant has not been reported in the literature in individuals affected with MAP2K2-related conditions. ClinVar contains an entry for this variant (Variation ID: 177843). An algorithm developed to predict the effect of missense changes on protein structure and function (PolyPhen-2) suggests that this variant is likely to be disruptive. In summary, the available evidence is currently insufficient to determine the role of this variant in disease. Therefore, it has been classified as a Variant of Uncertain Significance.

Ambry Genetics
Classification: Uncertain significance for Cardiovascular phenotype. Last evaluated: 2023-10-01. Review status: criteria provided, single submitter. Criteria: Ambry Variant Classification Scheme 2023. Collection method: clinical testing. Allele origin: germline.
Comment: The p.P329S variant (also known as c.985C>T) is located in coding exon 9 of the MAP2K2 gene. The proline at codon 329 is replaced by serine, an amino acid with similar properties. This change occurs in the first base pair of coding exon 9. This amino acid position is conserved. In addition, the in silico prediction for this alteration is inconclusive. Since supporting evidence is limited at this time, the clinical significance of this alteration remains unclear.

Laboratory for Molecular Medicine, Mass General Brigham Personalized Medicine
Classification: Uncertain significance. Last evaluated: 2013-05-23. Review status: criteria provided, single submitter. Criteria: LMM Criteria. Collection method: clinical testing. Allele origin: germline. Observed: 1 variant allele.
Comment: The Pro329Ser variant in MEK2 has not been reported in the literature nor previo usly identified by our laboratory. In addition, this variant has not been identi fied in large, ethnically-distinct populations. Computational analyses (biochemi cal amino acid properties, conservation, AlignGVGD, PolyPhen2, and SIFT) do not provide strong support for or against an impact to the protein. In summary, addi tional information is needed to fully assess the clinical significance of the Pr o329Ser variant.